The following is an entry in ClinVar:

NM_003579.4(RAD54L):c.1093_1169+15dup

Gene: RAD54L (RAD54 like; plus strand). Cytogenetic location: 1p34.1.
Variant type: Duplication.
Coding change: c.1093_1169+15dup on transcript NM_003579.4 (MANE Select); coding-DNA position 1093 through 15 bases into the intron after coding-DNA position 1169, 92 bases duplicated.
Molecular consequence: splice donor variant.
Genome position (GRCh38, 1-based): chr1:46,270,709-46,270,800, 92 bases duplicated. GRCh37 (hg19): chr1:46,736,381-46,736,472.
Other names: c.1093_1169+15dup (NM_001142548.2); c.553_629+15dup (NM_001370766.1).
Identifiers: ClinVar variation 4281005 (VCV004281005.7).

ClinVar aggregate classification (germline): Likely benign (1 of 4 stars; one submission).

Submission:

CeGaT Center for Human Genetics Tuebingen
Classification: Likely benign. Last evaluated: 2025-09-01. Review status: criteria provided, single submitter. Criteria: CeGaT Center For Human Genetics Tuebingen Variant Classification Criteria Version 2. Collection method: clinical testing. Allele origin: germline. Affected: yes. Observed: 1 variant allele.
Comment: RAD54L: PP3, BS1